The following is an entry in ClinVar:

NM_015047.3(EMC1):c.1305G>C (p.Gln435His)

Genes: EMC1 (ER membrane protein complex subunit 1; minus strand), EMC1-AS1 (EMC1 antisense RNA 1; plus strand). Cytogenetic location: 1p36.13.
Variant type: single nucleotide variant.
Coding change: c.1305G>C on transcript NM_015047.3 (MANE Select); coding-DNA position 1305, G replaced by C.
Protein change: p.Gln435His; replaces glutamine 435 with histidine.
Molecular consequence: missense variant.
Genome position (GRCh38, 1-based): chr1:19,237,146, C>G on the plus strand (G>C on the coding strand, the complement: EMC1 is on the minus strand). VCF-style: chr1-19237146-C-G. GRCh37 (hg19) VCF-style: chr1-19563640-C-G.
Other names: c.1302G>C, p.Gln434His (NM_001271427.2, NM_001375821.1); c.1305G>C, p.Gln435His (NM_001271428.2, NM_001375820.1); c.1239G>C, p.Gln413His (NM_001271429.2); short protein forms Q413H, Q435H, Q434H.
Identifiers: ClinVar variation 960351 (VCV000960351.9), dbSNP rs2093571496, ClinGen allele CA338765173.

ClinVar aggregate classification (germline): Uncertain significance (1 of 4 stars; one submission).

Submission:

Labcorp Genetics (formerly Invitae), Labcorp
Classification: Uncertain significance. Last evaluated: 2019-07-29. Review status: criteria provided, single submitter. Criteria: Invitae Variant Classification Sherloc (09022015). Collection method: clinical testing. Allele origin: germline.
Comment: In summary, the available evidence is currently insufficient to determine the role of this variant in disease. Therefore, it has been classified as a Variant of Uncertain Significance. Algorithms developed to predict the effect of missense changes on protein structure and function are either unavailable or do not agree on the potential impact of this missense change (SIFT: "Tolerated"; PolyPhen-2: "Probably Damaging"; Align-GVGD: "Class C0"). This variant has not been reported in the literature in individuals with EMC1-related conditions. This variant is not present in population databases (ExAC no frequency). This sequence change replaces glutamine with histidine at codon 435 of the EMC1 protein (p.Gln435His). The glutamine residue is highly conserved and there is a small physicochemical difference between glutamine and histidine.